The following is an entry in ClinVar:

NM_001330260.2(SCN8A):c.3610A>G (p.Ile1204Val)

Gene: SCN8A (sodium voltage-gated channel alpha subunit 8; plus strand). Cytogenetic location: 12q13.13.
Variant type: single nucleotide variant.
Coding change: c.3610A>G on transcript NM_001330260.2 (MANE Select); coding-DNA position 3610, A replaced by G.
Protein change: p.Ile1204Val; replaces isoleucine 1204 with valine.
Molecular consequence: missense variant.
Genome position (GRCh38, 1-based): chr12:51,770,648, A>G. VCF-style: chr12-51770648-A-G. GRCh37 (hg19) VCF-style: chr12-52164432-A-G.
Other names: c.3610A>G, p.Ile1204Val (NM_001177984.3, NM_001369788.1, NM_014191.4); c.3610A>G (NM_014191.3); short protein forms I1204V.
Identifiers: ClinVar variation 1484027 (VCV001484027.10), dbSNP rs2138871785, ClinGen allele CA384896889.
Genomic context (GRCh38, chr12:51,770,648, plus strand): 5'-TGGTGGATCCTGCGGAAAACCTGCTTCCTCATCGTGGAGCACAACTGGTTTGAGACCTTC[A>G]TCATCTTCATGATTCTGCTGAGCAGTGGCGCCCTGGTGAGGTCCAGGGGAGAGTGTGAGG-3'
Protein context (NP_001317189.1, residues 1194-1214): IVEHNWFETF[Ile1204Val]IFMILLSSGA

ClinVar aggregate classification (germline): Uncertain significance. Review status: criteria provided, multiple submitters, no conflicts (2 of 4 stars). 2 submissions from 2 submitters: Uncertain significance (2). Last evaluated 2023-10-12.

Conditions:
Early-infantile DEE. Also called: Ohtahara syndrome; Early infantile epileptic encephalopathy; Early infantile epileptic encephalopathy with suppression bursts. Identifiers: Orphanet 1934, MedGen C0393706, MONDO:0800491.

Submissions (2):

GeneDx
Classification: Uncertain significance. Last evaluated: 2023-10-12. Review status: criteria provided, single submitter. Criteria: GeneDx Variant Classification Process June 2021. Collection method: clinical testing. Allele origin: germline. Affected: yes.
Comment: Not observed at significant frequency in large population cohorts (gnomAD); Missense variants in this gene are a common cause of disease and they are underrepresented in the general population; In silico analysis supports that this missense variant does not alter protein structure/function; This substitution is predicted to be within transmembrane segment S1 of the third homologous domain; Has not been previously published as pathogenic or benign to our knowledge

Labcorp Genetics (formerly Invitae), Labcorp
Classification: Uncertain significance for Early-infantile DEE. Last evaluated: 2021-07-13. Review status: criteria provided, single submitter. Criteria: Invitae Variant Classification Sherloc (09022015). Collection method: clinical testing. Allele origin: germline.
Comment: Algorithms developed to predict the effect of missense changes on protein structure and function are either unavailable or do not agree on the potential impact of this missense change (SIFT: "Deleterious"; PolyPhen-2: "Probably Damaging"; Align-GVGD: "Class C0"). In summary, the available evidence is currently insufficient to determine the role of this variant in disease. Therefore, it has been classified as a Variant of Uncertain Significance. This variant has not been reported in the literature in individuals with SCN8A-related conditions. This variant is not present in population databases (ExAC no frequency). This sequence change replaces isoleucine with valine at codon 1204 of the SCN8A protein (p.Ile1204Val). The isoleucine residue is highly conserved and there is a small physicochemical difference between isoleucine and valine.